The following is an entry in ClinVar:

ClinVar aggregate classification (germline): Likely pathogenic (1 of 4 stars; one submission).

Conditions:
Brody myopathy. Also called: BRODY DISEASE. Identifiers: Orphanet 53347, MedGen C1832918, MONDO:0010977, OMIM 601003.

Allele frequency attached by ClinVar (database versions not stated): TOPMed below 0.00001; gnomAD 0.00001.
gnomAD v4.1: 1 of 1,612,368 alleles (0.000062%); highest among the groups gnomAD compares: Non-Finnish European, 0.000085%; no homozygotes.

Submission:

Labcorp Genetics (formerly Invitae), Labcorp
Classification: Likely pathogenic for Brody myopathy. Last evaluated: 2025-04-18. Review status: criteria provided, single submitter. Criteria: Invitae Variant Classification Sherloc (09022015). Collection method: clinical testing. Allele origin: germline.
Comment: This sequence change affects a donor splice site in intron 6 of the ATP2A1 gene. It is expected to disrupt RNA splicing. Variants that disrupt the donor or acceptor splice site typically lead to a loss of protein function (PMID: 16199547), and loss-of-function variants in ATP2A1 are known to be pathogenic (PMID: 8841193, 10914677, 23911890). This variant is not present in population databases (gnomAD no frequency). This variant has not been reported in the literature in individuals affected with ATP2A1-related conditions. ClinVar contains an entry for this variant (Variation ID: 1947530). Algorithms developed to predict the effect of sequence changes on RNA splicing suggest that this variant may disrupt the consensus splice site. In summary, the currently available evidence indicates that the variant is pathogenic, but additional data are needed to prove that conclusively. Therefore, this variant has been classified as Likely Pathogenic.

Literature cited by the submitters: PubMed 16199547; PubMed 8841193; PubMed 10914677; PubMed 23911890.

NM_004320.6(ATP2A1):c.544+1G>A

Gene: ATP2A1 (ATPase sarcoplasmic/endoplasmic reticulum Ca2+ transporting 1; plus strand). Cytogenetic location: 16p11.2.
Variant type: single nucleotide variant.
Coding change: c.544+1G>A on transcript NM_004320.6 (MANE Select); the canonical splice donor site of the intron after coding-DNA position 544, G replaced by A.
Molecular consequence: splice donor variant.
Genome position (GRCh38, 1-based): chr16:28,884,656, G>A. VCF-style: chr16-28884656-G-A. GRCh37 (hg19) VCF-style: chr16-28895977-G-A.
Other names: c.544+1G>A (NM_173201.5); c.169+1G>A (NM_001286075.2).
Identifiers: ClinVar variation 1947530 (VCV001947530.5), dbSNP rs1389370558, ClinGen allele CA395401748.